The following is an entry in ClinVar:

ClinVar aggregate classification (germline): Conflicting classifications of pathogenicity. Review status: criteria provided, conflicting classifications (1 of 4 stars). 4 submissions from 4 submitters: Uncertain significance (1); Likely benign (3). Last evaluated 2025-11-12.

Conditions:
RYR1-related disorder. Also called: RYR1-related condition; RYR1-related disorders. Identifiers: MedGen CN239331.
Malignant hyperthermia, susceptibility to, 1 (MHS1). Also called: Anesthesia related hyperthermia; Malignant hyperpyrexia; Fulminating hyperpyrexia; Pharmacogenic myopathy; RYR1-Related Malignant Hyperthermia Susceptibility; Malignant hyperthermia suceptibility 1. Identifiers: Orphanet 423, MedGen C2930980, MONDO:0007783, OMIM 145600.

Allele frequency attached by ClinVar (database versions not stated): gnomAD 0.00002.
gnomAD v4.1: 39 of 1,541,244 alleles (0.0025%); highest among the groups gnomAD compares: Middle Eastern, 0.023%; no homozygotes.

Submissions (4):

Labcorp Genetics (formerly Invitae), Labcorp
Classification: Likely benign for RYR1-related disorder. Last evaluated: 2025-11-12. Review status: criteria provided, single submitter. Criteria: Invitae Variant Classification Sherloc (09022015). Collection method: clinical testing. Allele origin: germline.

All of Us Research Program, National Institutes of Health
Classification: Likely benign for Malignant hyperthermia, susceptibility to, 1. Last evaluated: 2023-06-27. Review status: criteria provided, single submitter. Criteria: ACMG Guidelines, 2015. Collection method: clinical testing. Allele origin: germline. Inheritance: Autosomal dominant inheritance. Observed: 2 variant alleles, 2 heterozygotes.
Comment: This study involves interpretation of variants in research participants for the purpose of population health screening. Participant phenotype was not available at the time of variant classification. Additional details can be found in publication PMID: 35346344, PMCID: PMC8962531

Color Diagnostics, LLC DBA Color Health
Classification: Likely benign for Malignant hyperthermia, susceptibility to, 1. Last evaluated: 2022-11-10. Review status: criteria provided, single submitter. Criteria: ACMG Guidelines, 2015. Collection method: clinical testing. Allele origin: germline.

Blueprint Genetics
Classification: Uncertain significance. Last evaluated: 2019-10-23. Review status: criteria provided, single submitter. Criteria: ACMG Guidelines, 2015. Collection method: clinical testing. Allele origin: germline.

NM_000540.3(RYR1):c.10260-11G>A

Gene: RYR1 (ryanodine receptor 1; plus strand). Cytogenetic location: 19q13.2.
Variant type: single nucleotide variant.
Coding change: c.10260-11G>A on transcript NM_000540.3 (MANE Select); 11 bases into the intron before coding-DNA position 10260, G replaced by A.
Molecular consequence: intron variant.
Genome position (GRCh38, 1-based): chr19:38,523,017, G>A. VCF-style: chr19-38523017-G-A. GRCh37 (hg19) VCF-style: chr19-39013657-G-A.
Other names: c.10260-11G>A (NM_001042723.2).
Identifiers: ClinVar variation 2730569 (VCV002730569.6), dbSNP rs748181640, ClinGen allele CA308133475.